The following is an entry in ClinVar:

ClinVar aggregate classification (germline): Uncertain significance. Review status: criteria provided, multiple submitters, no conflicts (2 of 4 stars). 2 submissions from 2 submitters: Uncertain significance (2). Last evaluated 2025-10-01.

Allele frequency attached by ClinVar (database versions not stated): gnomAD exomes 0.00001; TOPMed 0.00002; gnomAD 0.00003; ExAC 0.00001.
gnomAD v4.1: 17 of 1,614,114 alleles (0.0011%); highest among the groups gnomAD compares: Admixed American, 0.0033%; no homozygotes.

Submissions (2):

Labcorp Genetics (formerly Invitae), Labcorp
Classification: Uncertain significance. Last evaluated: 2025-10-01. Review status: criteria provided, single submitter. Criteria: Invitae Variant Classification Sherloc (09022015). Collection method: clinical testing. Allele origin: germline.
Comment: This sequence change replaces tyrosine, which is neutral and polar, with cysteine, which is neutral and slightly polar, at codon 289 of the EXTL3 protein (p.Tyr289Cys). This variant is present in population databases (rs768286829, gnomAD 0.003%). This variant has not been reported in the literature in individuals affected with EXTL3-related conditions. ClinVar contains an entry for this variant (Variation ID: 2169984). Invitae Evidence Modeling of protein sequence and biophysical properties (such as structural, functional, and spatial information, amino acid conservation, physicochemical variation, residue mobility, and thermodynamic stability) indicates that this missense variant is not expected to disrupt EXTL3 protein function with a negative predictive value of 80%. In summary, the available evidence is currently insufficient to determine the role of this variant in disease. Therefore, it has been classified as a Variant of Uncertain Significance.

Blueprint Genetics
Classification: Uncertain significance. Last evaluated: 2024-10-21. Review status: criteria provided, single submitter. Criteria: ACMG Guidelines, 2015. Collection method: clinical testing. Allele origin: germline.

NM_001440.4(EXTL3):c.866A>G (p.Tyr289Cys)

Gene: EXTL3 (exostosin like glycosyltransferase 3; plus strand). Cytogenetic location: 8p21.1.
Variant type: single nucleotide variant.
Coding change: c.866A>G on transcript NM_001440.4 (MANE Select); coding-DNA position 866, A replaced by G.
Protein change: p.Tyr289Cys; replaces tyrosine 289 with cysteine.
Molecular consequence: missense variant.
Genome position (GRCh38, 1-based): chr8:28,716,925, A>G. VCF-style: chr8-28716925-A-G. GRCh37 (hg19) VCF-style: chr8-28574442-A-G.
Other names: short protein forms Y289C.
Identifiers: ClinVar variation 2169984 (VCV002169984.4), dbSNP rs768286829, ClinGen allele CA4696080.